The following is an entry in ClinVar:

NM_001329943.3(KIAA0586):c.4564G>C (p.Val1522Leu)

Gene: KIAA0586 (KIAA0586; plus strand). Cytogenetic location: 14q23.1.
Variant type: single nucleotide variant.
Coding change: c.4564G>C on transcript NM_001329943.3 (MANE Select); coding-DNA position 4564, G replaced by C.
Protein change: p.Val1522Leu; replaces valine 1522 with leucine.
Molecular consequence: missense variant.
Genome position (GRCh38, 1-based): chr14:58,547,849, G>C. VCF-style: chr14-58547849-G-C. GRCh37 (hg19) VCF-style: chr14-59014567-G-C.
Other names: c.4808G>C, p.Ser1603Thr (NM_001244189.2); c.4519G>C, p.Val1507Leu (NM_001244190.2); c.4309G>C, p.Val1437Leu (NM_001244191.2, NM_001364701.2); c.4432G>C, p.Val1478Leu (NM_001244192.2, NM_001329947.2); c.4649G>C, p.Ser1550Thr (NM_001329944.2); c.4243G>C, p.Val1415Leu (NM_001329945.2); c.4498G>C, p.Val1500Leu (NM_001329946.2); c.4336G>C, p.Val1446Leu (NM_014749.5); short protein forms S1550T, S1603T, V1415L, V1437L, V1446L, V1478L, V1500L, V1507L.
Identifiers: ClinVar variation 2427769 (VCV002427769.6), dbSNP rs542432352, ClinGen allele CA390059406.

ClinVar aggregate classification (germline): Uncertain significance (1 of 4 stars; one submission).

Conditions:
Joubert syndrome 23 (JBTS23). Identifiers: Orphanet 475, MedGen C4084822, MONDO:0014664, OMIM 616490.
Short-rib thoracic dysplasia 14 with polydactyly (SRTD14). Identifiers: Orphanet 397715, MedGen C4225286, MONDO:0014688, OMIM 616546.

Allele frequency attached by ClinVar (database versions not stated): TOPMed below 0.00001.

Submission:

Labcorp Genetics (formerly Invitae), Labcorp
Classification: Uncertain significance for Joubert syndrome 23; Short-rib thoracic dysplasia 14 with polydactyly. Last evaluated: 2022-08-19. Review status: criteria provided, single submitter. Criteria: Invitae Variant Classification Sherloc (09022015). Collection method: clinical testing. Allele origin: germline.
Comment: This sequence change replaces serine, which is neutral and polar, with threonine, which is neutral and polar, at codon 1603 of the KIAA0586 protein (p.Ser1603Thr). This variant is not present in population databases (gnomAD no frequency). This variant has not been reported in the literature in individuals affected with KIAA0586-related conditions. Algorithms developed to predict the effect of missense changes on protein structure and function are either unavailable or do not agree on the potential impact of this missense change (SIFT: "Deleterious"; PolyPhen-2: "Benign"; Align-GVGD: "Class C0"). In summary, the available evidence is currently insufficient to determine the role of this variant in disease. Therefore, it has been classified as a Variant of Uncertain Significance.